The following is an entry in ClinVar:

NM_000548.5(TSC2):c.1497T>G (p.Asp499Glu)

Gene: TSC2 (TSC complex subunit 2; plus strand). Cytogenetic location: 16p13.3.
Variant type: single nucleotide variant.
Coding change: c.1497T>G on transcript NM_000548.5 (MANE Select); coding-DNA position 1497, T replaced by G.
Protein change: p.Asp499Glu; replaces aspartic acid 499 with glutamic acid.
Molecular consequence: missense variant.
Genome position (GRCh38, 1-based): chr16:2,064,325, T>G. VCF-style: chr16-2064325-T-G. GRCh37 (hg19) VCF-style: chr16-2114326-T-G.
Other names: c.1497T>G (NM_000548.3); c.1497T>G, p.Asp499Glu (NM_001077183.3, NM_001114382.3, NM_001363528.2 and 3 more transcripts); c.1386T>G, p.Asp462Glu (NM_001318827.2); c.1350T>G, p.Asp450Glu (NM_001318829.2); c.897T>G, p.Asp299Glu (NM_001318831.2); c.1530T>G, p.Asp510Glu (NM_001318832.2); short protein forms D299E, D450E, D462E, D499E, D510E.
Identifiers: ClinVar variation 1024862 (VCV001024862.9), dbSNP rs1354915682, ClinGen allele CA394326007.

ClinVar aggregate classification (germline): Uncertain significance. Review status: criteria provided, multiple submitters, no conflicts (2 of 4 stars). 2 submissions from 2 submitters: Uncertain significance (2). Last evaluated 2025-04-14.

Conditions:
Hereditary cancer-predisposing syndrome. Also called: Hereditary neoplastic syndrome; Neoplastic Syndromes, Hereditary; Tumor predisposition; Hereditary Cancer Syndrome. Identifiers: Orphanet 140162, MedGen C0027672, MeSH D009386, MONDO:0015356.
Tuberous sclerosis 2 (TSC2). Identifiers: Orphanet 805, MedGen C1860707, MONDO:0013199, OMIM 613254.

Allele frequency attached by ClinVar (database versions not stated): TOPMed 0.00001.

Submissions (2):

Labcorp Genetics (formerly Invitae), Labcorp
Classification: Uncertain significance for Tuberous sclerosis 2. Last evaluated: 2025-04-14. Review status: criteria provided, single submitter. Criteria: Invitae Variant Classification Sherloc (09022015). Collection method: clinical testing. Allele origin: germline.
Comment: This sequence change replaces aspartic acid, which is acidic and polar, with glutamic acid, which is acidic and polar, at codon 499 of the TSC2 protein (p.Asp499Glu). This variant is not present in population databases (gnomAD no frequency). This variant has not been reported in the literature in individuals affected with TSC2-related conditions. ClinVar contains an entry for this variant (Variation ID: 1024862). Invitae Evidence Modeling of protein sequence and biophysical properties (such as structural, functional, and spatial information, amino acid conservation, physicochemical variation, residue mobility, and thermodynamic stability) indicates that this missense variant is not expected to disrupt TSC2 protein function with a negative predictive value of 95%. In summary, the available evidence is currently insufficient to determine the role of this variant in disease. Therefore, it has been classified as a Variant of Uncertain Significance.

Ambry Genetics
Classification: Uncertain significance for Hereditary cancer-predisposing syndrome. Last evaluated: 2024-10-29. Review status: criteria provided, single submitter. Criteria: Ambry Variant Classification Scheme 2023. Collection method: clinical testing. Allele origin: germline.
Comment: The p.D499E variant (also known as c.1497T>G), located in coding exon 14 of the TSC2 gene, results from a T to G substitution at nucleotide position 1497. The aspartic acid at codon 499 is replaced by glutamic acid, an amino acid with highly similar properties. This amino acid position is conserved. In addition, the in silico prediction for this alteration is inconclusive. Based on the available evidence, the clinical significance of this variant remains unclear.